The following is an entry in ClinVar:

ClinVar aggregate classification (germline): Uncertain significance. Review status: criteria provided, multiple submitters, no conflicts (2 of 4 stars). 2 submissions from 2 submitters: Uncertain significance (2). Last evaluated 2025-02-16.

gnomAD v4.1: 10 of 1,380,860 alleles (0.00072%); highest among the groups gnomAD compares: Non-Finnish European, 0.00095%; no homozygotes.

Submissions (2):

Labcorp Genetics (formerly Invitae), Labcorp
Classification: Uncertain significance. Last evaluated: 2025-02-16. Review status: criteria provided, single submitter. Criteria: Invitae Variant Classification Sherloc (09022015). Collection method: clinical testing. Allele origin: germline.
Comment: This sequence change replaces alanine, which is neutral and non-polar, with proline, which is neutral and non-polar, at codon 5 of the RASA2 protein (p.Ala5Pro). This variant is not present in population databases (gnomAD no frequency). This variant has not been reported in the literature in individuals affected with RASA2-related conditions. ClinVar contains an entry for this variant (Variation ID: 2562694). Experimental studies and prediction algorithms are not available or were not evaluated, and the functional significance of this variant is currently unknown. In summary, the available evidence is currently insufficient to determine the role of this variant in disease. Therefore, it has been classified as a Variant of Uncertain Significance.

Ambry Genetics
Classification: Uncertain significance. Last evaluated: 2023-03-29. Review status: criteria provided, single submitter. Criteria: Ambry Variant Classification Scheme 2023. Collection method: clinical testing. Allele origin: germline.
Comment: The p.A5P variant (also known as c.13G>C), located in coding exon 1 of the RASA2 gene, results from a G to C substitution at nucleotide position 13. The alanine at codon 5 is replaced by proline, an amino acid with highly similar properties. This amino acid position is conserved. In addition, the in silico prediction for this alteration is inconclusive. Since supporting evidence is limited at this time, the clinical significance of this alteration remains unclear.

NM_006506.5(RASA2):c.13G>C (p.Ala5Pro)

Genes: RASA2 (RAS p21 protein activator 2; plus strand), LOC129937686 (ATAC-STARR-seq lymphoblastoid silent region 14777; plus strand). Cytogenetic location: 3q23.
Variant type: single nucleotide variant.
Coding change: c.13G>C on transcript NM_006506.5 (MANE Select); coding-DNA position 13, G replaced by C.
Protein change: p.Ala5Pro; replaces alanine 5 with proline.
Molecular consequence: missense variant.
Genome position (GRCh38, 1-based): chr3:141,487,096, G>C. VCF-style: chr3-141487096-G-C. GRCh37 (hg19) VCF-style: chr3-141205938-G-C.
Other names: c.13G>C, p.Ala5Pro (NM_001303245.3, NM_001303246.3); short protein forms A5P.
Identifiers: ClinVar variation 2562694 (VCV002562694.3), dbSNP rs1335723224, ClinGen allele CA354773441.
Genomic context (GRCh38, chr3:141,487,096, plus strand): 5'-CGCCCGGCTACGCAGGCGGCAGGGCTGCGGCACGGGCCGGGCGGCACCATGGCGGCGGCG[G>C]CGCCTGCTGCTGCGGCGGCTTCTTCCGAGGCGCCAGCGGCGAGTGCGACTGCAGAGCCCG-3'
Protein context (NP_006497.2, residues 1-15): MAAA[Ala5Pro]PAAAAASSEA